The following is an entry in ClinVar:

NM_000448.3(RAG1):c.3083C>A (p.Pro1028Gln)

Gene: RAG1 (recombination activating 1; plus strand). Cytogenetic location: 11p12.
Variant type: single nucleotide variant.
Coding change: c.3083C>A on transcript NM_000448.3 (MANE Select); coding-DNA position 3083, C replaced by A.
Protein change: p.Pro1028Gln; replaces proline 1028 with glutamine.
Molecular consequence: missense variant.
Genome position (GRCh38, 1-based): chr11:36,576,387, C>A. VCF-style: chr11-36576387-C-A. GRCh37 (hg19) VCF-style: chr11-36597937-C-A.
Other names: c.3083C>A, p.Pro1028Gln (NM_001377277.1, NM_001377278.1, NM_001377279.1 and 1 more transcripts); short protein forms P1028Q.
Identifiers: ClinVar variation 967457 (VCV000967457.10), dbSNP rs771708758, ClinGen allele CA5950365.

ClinVar aggregate classification (germline): Uncertain significance. Review status: criteria provided, multiple submitters, no conflicts (2 of 4 stars). 2 submissions from 2 submitters: Uncertain significance (2). Last evaluated 2024-01-23.

Conditions:
Inborn genetic diseases. Identifiers: MedGen C0950123, MeSH D030342.
Severe combined immunodeficiency, autosomal recessive, T cell-negative, B cell-negative, NK cell-positive. Also called: SCID, T CELL-NEGATIVE, B CELL-NEGATIVE, NK CELL-POSITIVE; SCID, AR, T-cell negative, B-cell negative, NK cell-positive; Severe combined immunodeficiency due to complete RAG1/2 deficiency. Identifiers: Orphanet 331206, MedGen C1832322, MONDO:0011086, OMIM 601457.
Combined immunodeficiency with skin granulomas. Identifiers: Orphanet 157949, MedGen C2673536, MONDO:0009306, OMIM 233650.

gnomAD v4.1: 4 of 1,614,064 alleles (0.00025%); highest among the groups gnomAD compares: East Asian, 0.0089%; no homozygotes.

Submissions (2):

Ambry Genetics
Classification: Uncertain significance for Inborn genetic diseases. Last evaluated: 2024-01-23. Review status: criteria provided, single submitter. Criteria: Ambry Variant Classification Scheme 2023. Collection method: clinical testing. Allele origin: germline.

Labcorp Genetics (formerly Invitae), Labcorp
Classification: Uncertain significance for Combined immunodeficiency with skin granulomas; Severe combined immunodeficiency, autosomal recessive, T cell-negative, B cell-negative, NK cell-positive. Last evaluated: 2019-10-28. Review status: criteria provided, single submitter. Criteria: Invitae Variant Classification Sherloc (09022015). Collection method: clinical testing. Allele origin: germline.
Comment: In summary, the available evidence is currently insufficient to determine the role of this variant in disease. Therefore, it has been classified as a Variant of Uncertain Significance. This sequence change replaces proline with glutamine at codon 1028 of the RAG1 protein (p.Pro1028Gln). The proline residue is moderately conserved and there is a moderate physicochemical difference between proline and glutamine. This variant is present in population databases (rs771708758, ExAC 0.01%). This variant has not been reported in the literature in individuals with RAG1-related conditions. Algorithms developed to predict the effect of missense changes on protein structure and function output the following: SIFT: "Deleterious"; PolyPhen-2: "Benign"; Align-GVGD: "Class C0". The glutamine amino acid residue is found in multiple mammalian species, suggesting that this missense change does not adversely affect protein function. These predictions have not been confirmed by published functional studies and their clinical significance is uncertain.